The following is an entry in ClinVar:

ClinVar aggregate classification (germline): Pathogenic (1 of 4 stars; one submission).

Conditions:
Neurofibromatosis, type 1 (NF1). Also called: NEUROFIBROMATOSIS, TYPE I, SOMATIC; Neurofibromatosis, type I; Peripheral type neurofibromatosis; VON RECKLINGHAUSEN DISEASE. Identifiers: Orphanet 636, MedGen C0027831, MONDO:0018975, OMIM 162200. Disease mechanism: loss of function.

Submission:

Labcorp Genetics (formerly Invitae), Labcorp
Classification: Pathogenic for Neurofibromatosis, type 1. Last evaluated: 2022-05-22. Review status: criteria provided, single submitter. Criteria: Invitae Variant Classification Sherloc (09022015). Collection method: clinical testing. Allele origin: germline.
Comment: This sequence change creates a premature translational stop signal (p.Lys233Argfs*42) in the NF1 gene. It is expected to result in an absent or disrupted protein product. Loss-of-function variants in NF1 are known to be pathogenic (PMID: 10712197, 23913538). This variant is not present in population databases (gnomAD no frequency). This premature translational stop signal has been observed in individual(s) with neurofibromatosis type 1 (PMID: 25541118). For these reasons, this variant has been classified as Pathogenic.

Literature cited by the submitters: PubMed 10712197; PubMed 23913538; PubMed 25541118.

NM_001042492.3(NF1):c.698_716del (p.Lys233fs)

Gene: NF1 (neurofibromin 1; plus strand). Cytogenetic location: 17q11.2.
Variant type: Deletion.
Coding change: c.698_716del on transcript NM_001042492.3 (MANE Select); coding-DNA positions 698 to 716, 19 bases deleted (AACTGTACCAGATCCCACA).
Protein change: p.Lys233fs; shifts the reading frame from lysine 233.
Molecular consequence: frameshift variant.
Genome position (GRCh38, 1-based): chr17:31,181,753-31,181,771, AACTGTACCAGATCCCACA deleted; deleting any 19 consecutive bases within chr17:31,181,752-31,181,771 gives the same sequence; the c. name uses the placement nearest the transcript's 3' end. VCF-style (leftmost placement, unchanged base first): chr17-31181751-AAAACTGTACCAGATCCCAC-A. GRCh37 (hg19) VCF-style: chr17-29508769-AAAACTGTACCAGATCCCAC-A.
Other names: c.698_716del19, p.Lys233Argfs (NM_000267.4); c.698_716del, p.Lys233fs (NM_001128147.3); short protein forms K233fs.
Identifiers: ClinVar variation 2091973 (VCV002091973.4), dbSNP rs2544749921, ClinGen allele CA2580092816.
Genomic context (GRCh38, chr17:31,181,751, plus strand): 5'-TGTGGTTCTTTATTTATAGGCATTTTGGAACTGGGTAGAAAATTATCCAGATGAATTTAC[AAAACTGTACCAGATCCCAC>A]AGACTGATATGGCTGGTAAGGATACGATTGATTTTTTTTTTTTTTTTGTCTTTTAAATGC-3'